The following is an entry in ClinVar:

ClinVar aggregate classification (germline): Uncertain significance. Review status: criteria provided, multiple submitters, no conflicts (2 of 4 stars). 2 submissions from 2 submitters: Uncertain significance (2). Last evaluated 2025-08-08.

Conditions:
Hereditary cancer-predisposing syndrome. Also called: Hereditary Cancer Syndrome; Tumor predisposition; Neoplastic Syndromes, Hereditary; Hereditary neoplastic syndrome. Identifiers: Orphanet 140162, MedGen C0027672, MeSH D009386, MONDO:0015356.

gnomAD v4.1: 2 of 1,613,464 alleles (0.00012%); highest among the groups gnomAD compares: Non-Finnish European, 0.00017%; no homozygotes.

Submissions (2):

Ambry Genetics
Classification: Uncertain significance for Hereditary cancer-predisposing syndrome. Last evaluated: 2025-08-08. Review status: criteria provided, single submitter. Criteria: Ambry Variant Classification Scheme 2023. Collection method: clinical testing. Allele origin: germline.
Comment: The p.R1580G variant (also known as c.4738C>G), located in coding exon 37 of the POLE gene, results from a C to G substitution at nucleotide position 4738. The arginine at codon 1580 is replaced by glycine, an amino acid with dissimilar properties. This amino acid position is highly conserved in available vertebrate species. In addition, the in silico prediction for this alteration is inconclusive. Based on the available evidence, the clinical significance of this variant remains unclear.

Labcorp Genetics (formerly Invitae), Labcorp
Classification: Uncertain significance. Last evaluated: 2023-11-17. Review status: criteria provided, single submitter. Criteria: Invitae Variant Classification Sherloc (09022015). Collection method: clinical testing. Allele origin: germline.
Comment: This sequence change replaces arginine, which is basic and polar, with glycine, which is neutral and non-polar, at codon 1580 of the POLE protein (p.Arg1580Gly). This variant is not present in population databases (gnomAD no frequency). This variant has not been reported in the literature in individuals affected with POLE-related conditions. ClinVar contains an entry for this variant (Variation ID: 862692). Advanced modeling of protein sequence and biophysical properties (such as structural, functional, and spatial information, amino acid conservation, physicochemical variation, residue mobility, and thermodynamic stability) performed at Invitae indicates that this missense variant is not expected to disrupt POLE protein function with a negative predictive value of 80%. In summary, the available evidence is currently insufficient to determine the role of this variant in disease. Therefore, it has been classified as a Variant of Uncertain Significance.

NM_006231.4(POLE):c.4738C>G (p.Arg1580Gly)

Gene: POLE (DNA polymerase epsilon, catalytic subunit; minus strand). Cytogenetic location: 12q24.33.
Variant type: single nucleotide variant.
Coding change: c.4738C>G on transcript NM_006231.4 (MANE Select); coding-DNA position 4738, C replaced by G.
Protein change: p.Arg1580Gly; replaces arginine 1580 with glycine.
Molecular consequence: missense variant.
Genome position (GRCh38, 1-based): chr12:132,642,720, G>C on the plus strand (C>G on the coding strand, the complement: POLE is on the minus strand). VCF-style: chr12-132642720-G-C. GRCh37 (hg19) VCF-style: chr12-133219306-G-C.
Other names: c.4738C>G (NM_006231.2); short protein forms R1580G.
Identifiers: ClinVar variation 862692 (VCV000862692.10), dbSNP rs192908615, ClinGen allele CA387378550.